The following is an entry in ClinVar:

NM_006767.4(LZTR1):c.1949C>T (p.Ser650Phe)

Gene: LZTR1 (leucine zipper like post translational regulator 1; plus strand). Cytogenetic location: 22q11.21.
Variant type: single nucleotide variant.
Coding change: c.1949C>T on transcript NM_006767.4 (MANE Select); coding-DNA position 1949, C replaced by T.
Protein change: p.Ser650Phe; replaces serine 650 with phenylalanine.
Molecular consequence: missense variant.
Genome position (GRCh38, 1-based): chr22:20,995,752, C>T. VCF-style: chr22-20995752-C-T. GRCh37 (hg19) VCF-style: chr22-21350041-C-T.
Other names: short protein forms S650F.
Identifiers: ClinVar variation 4527102 (VCV004527102.1).

ClinVar aggregate classification (germline): Uncertain significance (1 of 4 stars; one submission).

gnomAD v4.1: 3 of 1,613,608 alleles (0.00019%); highest among the groups gnomAD compares: South Asian, 0.0022%; no homozygotes.

Submission:

GeneDx
Classification: Uncertain significance. Last evaluated: 2025-04-27. Review status: criteria provided, single submitter. Criteria: GeneDx Variant Classification Process June 2021. Collection method: clinical testing. Allele origin: germline. Affected: yes.
Comment: Not observed at significant frequency in large population cohorts (gnomAD); In silico analysis supports that this missense variant has a deleterious effect on protein structure/function; Has not been previously published as pathogenic or benign to our knowledge